The following is an entry in ClinVar:

NM_000548.5(TSC2):c.1625C>T (p.Pro542Leu)

Gene: TSC2 (TSC complex subunit 2; plus strand). Cytogenetic location: 16p13.3.
Variant type: single nucleotide variant.
Coding change: c.1625C>T on transcript NM_000548.5 (MANE Select); coding-DNA position 1625, C replaced by T.
Protein change: p.Pro542Leu; replaces proline 542 with leucine.
Molecular consequence: missense variant.
Genome position (GRCh38, 1-based): chr16:2,065,544, C>T. VCF-style: chr16-2065544-C-T. GRCh37 (hg19) VCF-style: chr16-2115545-C-T.
Other names: c.1625C>T (NM_000548.4); c.1625C>T, p.Pro542Leu (NM_001077183.3, NM_001114382.3, NM_001363528.2 and 3 more transcripts); c.1514C>T, p.Pro505Leu (NM_001318827.2); c.1478C>T, p.Pro493Leu (NM_001318829.2); c.1025C>T, p.Pro342Leu (NM_001318831.2); c.1658C>T, p.Pro553Leu (NM_001318832.2); short protein forms P542L, P342L, P493L, P553L, P505L.
Identifiers: ClinVar variation 535951 (VCV000535951.25), dbSNP rs764191178, ClinGen allele CA031818.

ClinVar aggregate classification (germline): Conflicting classifications of pathogenicity. Review status: criteria provided, conflicting classifications (1 of 4 stars). 9 submissions from 9 submitters: Uncertain significance (5); Likely benign (3). 1 of the submissions does not count toward it. Last evaluated 2025-12-11.

Conditions:
TSC2-related disorder. Also called: TSC2-Related Disorders; TSC2-related condition.
Isolated focal cortical dysplasia type II (FCORD2). Also called: Focal cortical dysplasia type II; CORTICAL DYSPLASIA OF TAYLOR. Identifiers: Orphanet 268994, MedGen C1846385, MONDO:0011818, OMIM 607341, HP:0032051.
Tuberous sclerosis 2 (TSC2). Identifiers: Orphanet 805, MedGen C1860707, MONDO:0013199, OMIM 613254.
Lymphangiomyomatosis (LAM). Also called: Lymphangioleiomyomatosis; Lymphangioleiomyomatosis, somatic. Identifiers: Orphanet 538, MedGen C0751674, MONDO:0011705, OMIM 606690.
Hereditary cancer-predisposing syndrome. Also called: Neoplastic Syndromes, Hereditary; Tumor predisposition; Hereditary Cancer Syndrome; Hereditary neoplastic syndrome. Identifiers: Orphanet 140162, MedGen C0027672, MeSH D009386, MONDO:0015356.
Tuberous sclerosis syndrome (TSC). Also called: Tuberous Sclerosis Complex; Tuberous sclerosis. Identifiers: Orphanet 805, MedGen C0041341, MONDO:0001734.

Allele frequency attached by ClinVar (database versions not stated): gnomAD exomes below 0.00001; ExAC 0.00001; TOPMed 0.00001.
gnomAD v4.1: 4 of 1,613,690 alleles (0.00025%); highest among the groups gnomAD compares: Non-Finnish European, 0.00034%; no homozygotes.

Submissions (9):

Ambry Genetics
Classification: Likely benign for Hereditary cancer-predisposing syndrome. Last evaluated: 2025-12-11. Review status: criteria provided, single submitter. Criteria: Ambry Variant Classification Scheme 2023. Collection method: clinical testing. Allele origin: germline.

Labcorp Genetics (formerly Invitae), Labcorp
Classification: Likely benign for Tuberous sclerosis 2. Last evaluated: 2025-11-10. Review status: criteria provided, single submitter. Criteria: Invitae Variant Classification Sherloc (09022015). Collection method: clinical testing. Allele origin: germline.

Fulgent Genetics
Classification: Uncertain significance for Lymphangiomyomatosis; Isolated focal cortical dysplasia type II; Tuberous sclerosis 2. Last evaluated: 2024-05-29. Review status: criteria provided, single submitter. Criteria: ACMG Guidelines, 2015. Collection method: clinical testing. Allele origin: germline.

GeneDx
Classification: Uncertain significance. Last evaluated: 2024-02-23. Review status: criteria provided, single submitter. Criteria: GeneDx Variant Classification Process June 2021. Collection method: clinical testing. Allele origin: germline. Affected: yes.
Comment: In silico analysis supports that this missense variant has a deleterious effect on protein structure/function; Has not been previously published as pathogenic or benign to our knowledge

All of Us Research Program, National Institutes of Health
Classification: Uncertain significance for Tuberous sclerosis syndrome. Last evaluated: 2023-10-06. Review status: criteria provided, single submitter. Criteria: ACMG Guidelines, 2015. Collection method: clinical testing. Allele origin: germline. Inheritance: Autosomal dominant inheritance. Observed: 1 variant allele, 1 heterozygote.
Comment: This missense variant replaces proline with leucine at codon 542 of the TSC2 protein. Computational prediction suggests that this variant may not impact protein structure and function (internally defined REVEL score threshold <= 0.5, PMID: 27666373). To our knowledge, functional studies have not been reported for this variant. This variant has not been reported in individuals affected with tuberous sclerosis complex in the literature. This variant has been identified in 1/250244 chromosomes in the general population by the Genome Aggregation Database (gnomAD). The available evidence is insufficient to determine the role of this variant in disease conclusively. Therefore, this variant is classified as a Variant of Uncertain Significance.

This study involves interpretation of variants in research participants for the purpose of population health screening. Participant phenotype was not available at the time of variant classification. Additional details can be found in publication PMID: 35346344, PMCID: PMC8962531

Color Diagnostics, LLC DBA Color Health
Classification: Uncertain significance for Tuberous sclerosis syndrome. Last evaluated: 2023-09-21. Review status: criteria provided, single submitter. Criteria: ACMG Guidelines, 2015. Collection method: clinical testing. Allele origin: germline.
Comment: This variant is located in the TSC2 protein. Computational prediction suggests that this variant may not impact protein structure and function. To our knowledge, functional studies have not been reported for this variant. This variant has not been reported in individuals affected with TSC2-related disorders in the literature. This variant has been identified in 1/250244 chromosomes in the general population by the Genome Aggregation Database (gnomAD). The available evidence is insufficient to determine the role of this variant in disease conclusively. Therefore, this variant is classified as a Variant of Uncertain Significance.

Baylor Genetics
Classification: Uncertain significance for Isolated focal cortical dysplasia type II. Last evaluated: 2023-06-26. Review status: criteria provided, single submitter. Criteria: ACMG Guidelines, 2015. Collection method: clinical testing. Allele origin: unknown.

Genome-Nilou Lab
Classification: Likely benign for Tuberous sclerosis 2. Last evaluated: 2021-11-07. Review status: criteria provided, single submitter. Criteria: ACMG Guidelines, 2015. Collection method: clinical testing. Allele origin: germline. Affected: no.

PreventionGenetics, part of Exact Sciences
Classification: Uncertain significance for TSC2-related condition. Last evaluated: 2023-12-29. Review status: no assertion criteria provided. Collection method: clinical testing. Allele origin: germline. Not counted in ClinVar's aggregate classification.
Comment: The TSC2 c.1625C>T variant is predicted to result in the amino acid substitution p.Pro542Leu. To our knowledge, this variant has not been reported in the literature. This variant is reported in 0.00089% of alleles in individuals of European (Non-Finnish) descent in gnomAD and has conflicting interpretations listed in ClinVar, ranging from likely benign to uncertain significance. At this time, the clinical significance of this variant is uncertain due to the absence of conclusive functional and genetic evidence.